The following is an entry in ClinVar:

ClinVar aggregate classification (germline): Uncertain significance (1 of 4 stars; one submission).

Conditions:
Cardiomyopathy (CMYO). Also called: Cardiomyopathies. Identifiers: Orphanet 167848, MedGen C0878544, MONDO:0004994, HP:0001638. Inheritance: Various modes of inheritance.

Allele frequency attached by ClinVar (database versions not stated): gnomAD exomes below 0.00001.
gnomAD v4.1: 1 of 1,613,922 alleles (0.000062%); highest among the groups gnomAD compares: Non-Finnish European, 0.000085%; no homozygotes.

Submission:

Color Diagnostics, LLC DBA Color Health
Classification: Uncertain significance for Cardiomyopathy. Last evaluated: 2023-11-02. Review status: criteria provided, single submitter. Criteria: ACMG Guidelines, 2015. Collection method: clinical testing. Allele origin: germline.
Comment: This missense variant replaces serine with asparagine at codon 2207 of the RYR2 protein. Computational prediction is inconclusive regarding the impact of this variant on protein structure and function (internally defined REVEL score threshold 0.5 < inconclusive < 0.7, PMID: 27666373). To our knowledge, functional studies have not been reported for this variant. This variant has not been reported in individuals affected with RYR2-related disorders in the literature. This variant has not been identified in the general population by the Genome Aggregation Database (gnomAD). The available evidence is insufficient to determine the role of this variant in disease conclusively. Therefore, this variant is classified as a Variant of Uncertain Significance.

NM_001035.3(RYR2):c.6620G>A (p.Ser2207Asn)

Gene: RYR2 (ryanodine receptor 2; plus strand). Cytogenetic location: 1q43.
Variant type: single nucleotide variant.
Coding change: c.6620G>A on transcript NM_001035.3 (MANE Select); coding-DNA position 6620, G replaced by A.
Protein change: p.Ser2207Asn; replaces serine 2207 with asparagine.
Molecular consequence: missense variant.
Genome position (GRCh38, 1-based): chr1:237,633,642, G>A. VCF-style: chr1-237633642-G-A. GRCh37 (hg19) VCF-style: chr1-237796942-G-A.
Other names: short protein forms S2207N.
Identifiers: ClinVar variation 2774323 (VCV002774323.2), dbSNP rs2546926789, ClinGen allele CA345394148.
Genomic context (GRCh38, chr1:237,633,642, plus strand): 5'-TCACCTTTCCCAAGATGGTGGCCAACTGTTGCCGTTTTCTCTGTTACTTCTGTCGTATAA[G>A]TAGGCAGAATCAAAAAGCTATGTTTGATCATCTCAGTTATTTACTGGAAAACAGCAGTGT-3'
Protein context (NP_001026.2, residues 2197-2217): CRFLCYFCRI[Ser2207Asn]RQNQKAMFDH